The following is an entry in ClinVar:

NM_004462.5(FDFT1):c.100-84TCCCAC[10]

Gene: FDFT1 (farnesyl-diphosphate farnesyltransferase 1). Cytogenetic location: 8p23.1.
Variant type: Microsatellite.
Coding change: c.100-84TCCCAC[10] on transcript NM_004462.5 (MANE Select); ten copies in a row of the 6-base unit TCCCAC starting at c.100-84.
Molecular consequence: intron variant. On other transcripts: inframe insertion (1), inframe indel (1).
Genome position: GRCh38 VCF-style: chr8-11808709-G-GTCCCACTCCCACTCCCACTCCCAC. GRCh37 (hg19) VCF-style: chr8-11666218-G-GTCCCACTCCCACTCCCACTCCCAC.
Other names: c.196CACTCC[10], p.Ser77_Cys78insHisSerHisSerHisSerHisSer (NM_001287750.2); c.100-84TCCCAC[10] (NM_001287742.2, NM_001287743.2); c.-93-84TCCCAC[10] (NM_001287744.2, NM_001287745.2, NM_001287747.2 and 2 more transcripts); c.64+5800TCCCAC[10] (NM_001287756.2); c.208_231dup24 (NM_001287750.1).
Identifiers: ClinVar variation 3051193 (VCV003051193.23), dbSNP rs71711801, ClinGen allele CA579795806.

ClinVar aggregate classification (germline): Benign/Likely benign. Review status: criteria provided, multiple submitters, no conflicts (2 of 4 stars). 4 submissions from 4 submitters: Benign (1); Likely benign (2). 1 of the submissions does not count toward it. Last evaluated 2025-02-16.

Conditions:
FDFT1-related disorder. Also called: FDFT1-related condition.

Submissions (4):

Laboratory of Genetics, Children's Clinical University Hospital Latvia
Classification: Benign. Last evaluated: 2025-02-16. Review status: criteria provided, single submitter. Criteria: ACMG Guidelines, 2015. Collection method: clinical testing. Allele origin: germline. Affected: yes.

Blueprint Genetics
Classification: Likely benign. Last evaluated: 2024-11-27. Review status: criteria provided, single submitter. Criteria: ACMG Guidelines, 2015. Collection method: clinical testing. Allele origin: germline.

CeGaT Center for Human Genetics Tuebingen
Classification: Likely benign. Last evaluated: 2024-10-01. Review status: criteria provided, single submitter. Criteria: CeGaT Center For Human Genetics Tuebingen Variant Classification Criteria Version 2. Collection method: clinical testing. Allele origin: germline. Affected: yes. Observed: 3 variant alleles.
Comment: FDFT1: BS1

PreventionGenetics, part of Exact Sciences
Classification: Likely benign for FDFT1-related condition. Last evaluated: 2022-04-18. Review status: no assertion criteria provided. Collection method: clinical testing. Allele origin: germline. Not counted in ClinVar's aggregate classification.
Comment: This variant is classified as likely benign based on ACMG/AMP sequence variant interpretation guidelines (Richards et al. 2015 PMID: 25741868, with internal and published modifications).